The following is an entry in ClinVar:

NM_000535.7(PMS2):c.40G>A (p.Ala14Thr)

Gene: PMS2 (PMS1 homolog 2, mismatch repair system component; minus strand). Cytogenetic location: 7p22.1.
Variant type: single nucleotide variant.
Coding change: c.40G>A on transcript NM_000535.7 (MANE Select); coding-DNA position 40, G replaced by A.
Protein change: p.Ala14Thr; replaces alanine 14 with threonine.
Molecular consequence: missense variant. On other transcripts: 5 prime UTR variant (8), non-coding transcript variant (1), intron variant (3).
Genome position (GRCh38, 1-based): chr7:6,006,015, C>T on the plus strand (G>A on the coding strand, the complement: PMS2 is on the minus strand). VCF-style: chr7-6006015-C-T. GRCh37 (hg19) VCF-style: chr7-6045646-C-T.
Other names: c.-366G>A (NM_001018040.1, NM_001322003.2, NM_001322005.2 and 11 more transcripts); c.40G>A, p.Ala14Thr (NM_001322006.2, NM_001322014.2, NM_001406868.1 and 10 more transcripts); c.-176G>A (NM_001322007.2, NM_001406876.1, NM_001406883.1 and 4 more transcripts); c.-845G>A (NM_001322011.2, NM_001322012.2); c.-445G>A (NM_001322015.2, NM_001406875.1, NM_001406877.1 and 2 more transcripts); c.226G>A, p.Ala76Thr (NM_001406866.1); c.-392G>A (NM_001406880.1); c.-313G>A (NM_001406888.1, NM_001406889.1, NM_001406892.1 and 5 more transcripts); and 4 more; short protein forms A14T, A76T.
Identifiers: ClinVar variation 1737840 (VCV001737840.2), dbSNP rs876661039, ClinGen allele CA366745171.

ClinVar aggregate classification (germline): Uncertain significance (1 of 4 stars; one submission).

Conditions:
Hereditary cancer-predisposing syndrome. Also called: Neoplastic Syndromes, Hereditary; Tumor predisposition; Hereditary Cancer Syndrome; Hereditary neoplastic syndrome. Identifiers: Orphanet 140162, MedGen C0027672, MeSH D009386, MONDO:0015356.

Submission:

Ambry Genetics
Classification: Uncertain significance for Hereditary cancer-predisposing syndrome. Last evaluated: 2021-04-21. Review status: criteria provided, single submitter. Criteria: Ambry Variant Classification Scheme 2023. Collection method: clinical testing. Allele origin: germline.
Comment: The p.A14T variant (also known as c.40G>A), located in coding exon 2 of the PMS2 gene, results from a G to A substitution at nucleotide position 40. The alanine at codon 14 is replaced by threonine, an amino acid with similar properties. This amino acid position is well conserved in available vertebrate species. In addition, the in silico prediction for this alteration is inconclusive. Since supporting evidence is limited at this time, the clinical significance of this alteration remains unclear.